The following is an entry in ClinVar:

ClinVar aggregate classification (germline): Likely benign (1 of 4 stars; one submission).

gnomAD v4.1: 37 of 1,611,998 alleles (0.0023%); highest among the groups gnomAD compares: Admixed American, 0.0083%; no homozygotes.

Submission:

CeGaT Center for Human Genetics Tuebingen
Classification: Likely benign. Last evaluated: 2025-09-01. Review status: criteria provided, single submitter. Criteria: CeGaT Center For Human Genetics Tuebingen Variant Classification Criteria Version 2. Collection method: clinical testing. Allele origin: germline. Affected: yes. Observed: 1 variant allele.
Comment: DPH2: BP4, BP7

NM_001384.5(DPH2):c.906C>T (p.His302=)

Genes: DPH2 (diphthamide biosynthesis 2; plus strand), LOC126805726 (CDK7 strongly-dependent group 2 enhancer GRCh37_chr1:44437355-44438554; plus strand). Cytogenetic location: 1p34.1.
Variant type: single nucleotide variant.
Coding change: c.906C>T on transcript NM_001384.5 (MANE Select); coding-DNA position 906, C replaced by T.
Protein change: p.His302=; no amino-acid change (histidine 302 retained).
Molecular consequence: synonymous variant. On other transcripts: intron variant (1).
Genome position (GRCh38, 1-based): chr1:43,971,808, C>T. VCF-style: chr1-43971808-C-T. GRCh37 (hg19) VCF-style: chr1-44437480-C-T.
Other names: c.678C>T, p.His226= (NM_001319165.2, NM_001319168.2); c.633C>T, p.His211= (NM_001319166.2); c.327C>T, p.His109= (NM_001319167.2, NM_001319170.2); c.501C>T, p.His167= (NM_001319169.2); c.462C>T, p.His154= (NM_001319171.2); c.485-350C>T (NM_001039589.2).
Identifiers: ClinVar variation 4281139 (VCV004281139.7).